The following is an entry in ClinVar:

NM_000138.5(FBN1):c.4565C>T (p.Thr1522Ile)

Gene: FBN1 (fibrillin 1; minus strand). Cytogenetic location: 15q21.1.
Variant type: single nucleotide variant.
Coding change: c.4565C>T on transcript NM_000138.5 (MANE Select); coding-DNA position 4565, C replaced by T.
Protein change: p.Thr1522Ile; replaces threonine 1522 with isoleucine.
Molecular consequence: missense variant.
Genome position (GRCh38, 1-based): chr15:48,468,429, G>A on the plus strand (C>T on the coding strand, the complement: FBN1 is on the minus strand). VCF-style: chr15-48468429-G-A. GRCh37 (hg19) VCF-style: chr15-48760626-G-A.
Other names: c.4565C>T, p.Thr1522Ile (NM_001406716.1); short protein forms T1522I.
Identifiers: ClinVar variation 2773343 (VCV002773343.3), dbSNP rs2505502999, ClinGen allele CA392353356.

ClinVar aggregate classification (germline): Uncertain significance. Review status: criteria provided, multiple submitters, no conflicts (2 of 4 stars). 2 submissions from 2 submitters: Uncertain significance (2). Last evaluated 2024-03-07.

Conditions:
Marfan syndrome (MFS). Also called: FBN1-Related Marfan Syndrome; MARFAN SYNDROME, TYPE I; Marfan syndrome type 1; Marfan's syndrome; Marfan syndrome, classic. Identifiers: Orphanet 284963, Orphanet 558, MedGen C0024796, MONDO:0007947, OMIM 154700.
Familial thoracic aortic aneurysm and aortic dissection (TAAD). Also called: Thoracic aortic aneurysms and dissections. Identifiers: Orphanet 91387, MedGen C4707243, MONDO:0019625.

Allele frequency attached by ClinVar (database versions not stated): gnomAD exomes below 0.00001.
gnomAD v4.1: 1 of 1,614,184 alleles (0.000062%); highest among the groups gnomAD compares: Non-Finnish European, 0.000085%; no homozygotes.

Submissions (2):

Color Diagnostics, LLC DBA Color Health
Classification: Uncertain significance for Familial thoracic aortic aneurysm and aortic dissection. Last evaluated: 2024-03-07. Review status: criteria provided, single submitter. Criteria: ACMG Guidelines, 2015. Collection method: clinical testing. Allele origin: germline.
Comment: This missense variant replaces threonine with isoleucine at codon 1522 of the FBN1 protein. Computational prediction is inconclusive regarding the impact of this variant on protein structure and function (internally defined REVEL score threshold 0.5 < inconclusive < 0.7, PMID: 27666373). To our knowledge, functional studies have not been reported for this variant. This variant has not been reported in individuals affected with FBN1-related disorders in the literature. This variant has not been identified in the general population by the Genome Aggregation Database (gnomAD). The available evidence is insufficient to determine the role of this variant in disease conclusively. Therefore, this variant is classified as a Variant of Uncertain Significance.

All of Us Research Program, National Institutes of Health
Classification: Uncertain significance for Marfan syndrome. Last evaluated: 2023-08-15. Review status: criteria provided, single submitter. Criteria: ACMG Guidelines, 2015. Collection method: clinical testing. Allele origin: germline. Inheritance: Autosomal dominant inheritance. Observed: 1 variant allele, 1 heterozygote.
Comment: This missense variant replaces threonine with isoleucine at codon 1522 of the FBN1 protein. Computational prediction is inconclusive regarding the impact of this variant on protein structure and function (internally defined REVEL score threshold 0.5 < inconclusive < 0.7, PMID: 27666373). To our knowledge, functional studies have not been reported for this variant. This variant has not been reported in individuals affected with cardiovascular disorders in the literature. This variant has not been identified in the general population by the Genome Aggregation Database (gnomAD). The available evidence is insufficient to determine the role of this variant in disease conclusively. Therefore, this variant is classified as a Variant of Uncertain Significance.

This study involves interpretation of variants in research participants for the purpose of population health screening. Participant phenotype was not available at the time of variant classification. Additional details can be found in publication PMID: 35346344, PMCID: PMC8962531